The following is an entry in ClinVar:

NM_001128225.3(SLC39A13):c.-8-18G>T

Gene: SLC39A13 (solute carrier family 39 member 13; plus strand). Cytogenetic location: 11p11.2.
Variant type: single nucleotide variant.
Coding change: c.-8-18G>T on transcript NM_001128225.3 (MANE Select); 18 bases into the intron before 8 bases upstream of the start codon, G replaced by T.
Molecular consequence: intron variant. On other transcripts: 5 prime UTR variant (1).
Genome position (GRCh38, 1-based): chr11:47,410,069, G>T. VCF-style: chr11-47410069-G-T. GRCh37 (hg19) VCF-style: chr11-47431620-G-T.
Other names: c.-26G>T (NM_152264.5); c.-8-18G>T (NM_001330245.2).
Identifiers: ClinVar variation 513624 (VCV000513624.1), dbSNP rs1555134508, ClinGen allele CA658797639.

ClinVar aggregate classification (germline): Likely benign (1 of 4 stars; one submission).

Allele frequency attached by ClinVar (database versions not stated): TOPMed below 0.00001.

Submission:

GeneDx
Classification: Likely benign. Last evaluated: 2017-11-28. Review status: criteria provided, single submitter. Criteria: GeneDx Variant Classification (06012015). Collection method: clinical testing. Allele origin: germline. Affected: yes.
Comment: This variant is considered likely benign or benign based on one or more of the following criteria: it is a conservative change, it occurs at a poorly conserved position in the protein, it is predicted to be benign by multiple in silico algorithms, and/or has population frequency not consistent with disease.